The following is an entry in ClinVar:

ClinVar aggregate classification (germline): Conflicting classifications of pathogenicity. Review status: criteria provided, conflicting classifications (1 of 4 stars). 3 submissions from 3 submitters: Pathogenic (1); Uncertain significance (1). 1 of the submissions does not count toward it. Last evaluated 2024-08-21.

Conditions:
RASopathy. Also called: rasopathies; Noonan spectrum disorder. Identifiers: Orphanet 536391, MedGen C5555857, MONDO:0021060.
CBL-related disorder. Also called: NOONAN SYNDROME-LIKE DISORDER WITHOUT JUVENILE MYELOMONOCYTIC LEUKEMIA; CBL MUTATION-ASSOCIATED SYNDROME; CBL SYNDROME. Identifiers: Orphanet 363972, MedGen C3150803, MONDO:0013308, OMIM 613563.
Cardiovascular phenotype. Identifiers: MedGen CN230736.

Submissions (3):

Ambry Genetics
Classification: Pathogenic for Cardiovascular phenotype. Last evaluated: 2024-08-21. Review status: criteria provided, single submitter. Criteria: Ambry Variant Classification Scheme 2023. Collection method: clinical testing. Allele origin: germline.
Comment: The c.1210T>C (p.C404R) alteration is located in coding exon 8 of the CBL gene. This alteration results from a T to C substitution at nucleotide position 1210, causing the cysteine (C) at amino acid position 404 to be replaced by an arginine (R). This variant was not reported in population-based cohorts in the Genome Aggregation Database (gnomAD). This variant was reported heterozygous in one individual and de novo in another individual with juvenile myelomonocytic leukemia (JMML) (Niemeyer, 2010; Caye, 2015). This amino acid position is highly conserved in available vertebrate species. This alteration is predicted to be deleterious by in silico analysis. Based on the available evidence, this alteration is classified as pathogenic.

Labcorp Genetics (formerly Invitae), Labcorp
Classification: Uncertain significance for RASopathy. Last evaluated: 2023-05-09. Review status: criteria provided, single submitter. Criteria: Invitae Variant Classification Sherloc (09022015). Collection method: clinical testing. Allele origin: germline.
Comment: ClinVar contains an entry for this variant (Variation ID: 842123). This sequence change replaces cysteine, which is neutral and slightly polar, with arginine, which is basic and polar, at codon 404 of the CBL protein (p.Cys404Arg). This variant is not present in population databases (gnomAD no frequency). This missense change has been observed in individual(s) with clinical features of CBL-related conditions (PMID: 25952305). Advanced modeling of protein sequence and biophysical properties (such as structural, functional, and spatial information, amino acid conservation, physicochemical variation, residue mobility, and thermodynamic stability) performed at Invitae indicates that this missense variant is expected to disrupt CBL protein function. In summary, the available evidence is currently insufficient to determine the role of this variant in disease. Therefore, it has been classified as a Variant of Uncertain Significance.

PreventionGenetics, part of Exact Sciences
Classification: Uncertain significance for CBL-related condition. Last evaluated: 2024-07-11. Review status: no assertion criteria provided. Collection method: clinical testing. Allele origin: germline. Not counted in ClinVar's aggregate classification.
Comment: The CBL c.1210T>C variant is predicted to result in the amino acid substitution p.Cys404Arg. This variant has been reported as de novo but in the apparently homozygous state in an individual with juvenile myelomonocytic leukemia indicating a loss-of-heterozygosity at the CBL locus (Loh et al. 2009. PubMed ID: 19571318; Niemeyer et al. 2010. PubMed ID: 20694012). This variant has not been reported in a large population database, indicating this variant is rare. Although we suspect this variant may be pathogenic, at this time, the clinical significance of this variant is uncertain due to the absence of conclusive functional and genetic evidence.

Literature cited by the submitters: PubMed 19571318 (cited by Ambry Genetics); PubMed 20694012 (cited by Ambry Genetics); PubMed 22817890 (cited by Ambry Genetics); PubMed 24801577 (cited by Ambry Genetics); PubMed 25426838 (cited by Ambry Genetics); PubMed 26457648 (cited by Ambry Genetics); PubMed 26847329 (cited by Ambry Genetics); PubMed 27941868 (cited by Ambry Genetics); PubMed 25952305 (cited by Labcorp Genetics (formerly Invitae), Labcorp).

NM_005188.4(CBL):c.1210T>C (p.Cys404Arg)

Gene: CBL (Cbl proto-oncogene; plus strand). Cytogenetic location: 11q23.3.
Variant type: single nucleotide variant.
Coding change: c.1210T>C on transcript NM_005188.4 (MANE Select); coding-DNA position 1210, T replaced by C.
Protein change: p.Cys404Arg; replaces cysteine 404 with arginine.
Molecular consequence: missense variant.
Genome position (GRCh38, 1-based): chr11:119,278,280, T>C. VCF-style: chr11-119278280-T-C. GRCh37 (hg19) VCF-style: chr11-119148990-T-C.
Other names: short protein forms C404R.
Identifiers: ClinVar variation 842123 (VCV000842123.13), dbSNP rs1949905314, ClinGen allele CA382912847.